The following is an entry in ClinVar:

ClinVar aggregate classification (germline): Conflicting classifications of pathogenicity. Review status: criteria provided, conflicting classifications (1 of 4 stars). 4 submissions from 4 submitters: Uncertain significance (3); Likely benign (1). Last evaluated 2026-04-01.

Conditions:
Inborn genetic diseases. Identifiers: MedGen C0950123, MeSH D030342.

Allele frequency attached by ClinVar (database versions not stated): ExAC 0.00004; gnomAD 0.00001; gnomAD exomes 0.00002; TOPMed 0.00004.
gnomAD v4.1: 26 of 1,614,044 alleles (0.0016%); highest among the groups gnomAD compares: Admixed American, 0.023%; 2 homozygotes.

Submissions (4):

GeneDx
Classification: Uncertain significance. Last evaluated: 2026-04-01. Review status: criteria provided, single submitter. Criteria: GeneDx Variant Classification Process June 2021. Collection method: clinical testing. Allele origin: germline.
Comment: In silico analysis supports that this missense variant has a deleterious effect on protein structure/function; Has not been previously published as pathogenic or benign to our knowledge

Labcorp Genetics (formerly Invitae), Labcorp
Classification: Likely benign. Last evaluated: 2025-12-15. Review status: criteria provided, single submitter. Criteria: Invitae Variant Classification Sherloc (09022015). Collection method: clinical testing. Allele origin: germline.

Ambry Genetics
Classification: Uncertain significance for Inborn genetic diseases. Last evaluated: 2023-02-22. Review status: criteria provided, single submitter. Criteria: Ambry Variant Classification Scheme 2023. Collection method: clinical testing. Allele origin: germline.

Blueprint Genetics
Classification: Uncertain significance. Last evaluated: 2021-12-15. Review status: criteria provided, single submitter. Criteria: ACMG Guidelines, 2015. Collection method: clinical testing. Allele origin: germline.

NM_194248.3(OTOF):c.5684G>A (p.Arg1895His)

Gene: OTOF (otoferlin; minus strand). Cytogenetic location: 2p23.3.
Variant type: single nucleotide variant.
Coding change: c.5684G>A on transcript NM_194248.3 (MANE Select); coding-DNA position 5684, G replaced by A.
Protein change: p.Arg1895His; replaces arginine 1895 with histidine.
Molecular consequence: missense variant.
Genome position (GRCh38, 1-based): chr2:26,460,880, C>T on the plus strand (G>A on the coding strand, the complement: OTOF is on the minus strand). VCF-style: chr2-26460880-C-T. GRCh37 (hg19) VCF-style: chr2-26683748-C-T.
Other names: c.5684G>A (NM_194248.2); c.5684G>A, p.Arg1895His (NM_001287489.2); c.3383G>A, p.Arg1128His (NM_004802.4, NM_194323.3); c.3614G>A, p.Arg1205His (NM_194322.3); short protein forms R1128H, R1205H, R1895H.
Identifiers: ClinVar variation 2069466 (VCV002069466.8), dbSNP rs776338254, ClinGen allele CA1562751.